The following is an entry in ClinVar:

ClinVar aggregate classification (germline): Likely pathogenic (1 of 4 stars; one submission).

Conditions:
X-linked Alport syndrome (ATS1). Also called: COL4A5-Related Nephropathy; NEPHROPATHY AND DEAFNESS, X-LINKED. Identifiers: Orphanet 63, Orphanet 88917, MedGen C4746986, MONDO:0010520, OMIM 301050.

Submission:

MVZ Medizinische Genetik Mainz
Classification: Likely pathogenic for X-linked Alport syndrome. Last evaluated: 2024-11-18. Review status: criteria provided, single submitter. Criteria: UK Practice Guidelines For Variant Classification V4 01 2020. Collection method: clinical testing. Allele origin: germline. Inheritance: X-linked dominant inheritance. Affected: yes. Observed: 1 variant allele.
Comment: ACMG Criteria: PM1_STR,PM2_SUP,PP3

NM_033380.3(COL4A5):c.215G>T (p.Gly72Val)

Gene: COL4A5 (collagen type IV alpha 5 chain; plus strand). Cytogenetic location: Xq22.3.
Variant type: single nucleotide variant.
Coding change: c.215G>T on transcript NM_033380.3 (MANE Select); coding-DNA position 215, G replaced by T.
Protein change: p.Gly72Val; replaces glycine 72 with valine.
Molecular consequence: missense variant.
Genome position (GRCh38, 1-based): chrX:108,559,137, G>T. VCF-style: chrX-108559137-G-T. GRCh37 (hg19) VCF-style: chrX-107802367-G-T.
Other names: c.215G>T, p.Gly72Val (NM_000495.5); short protein forms G72V.
Identifiers: ClinVar variation 3392544 (VCV003392544.1).